The following is an entry in ClinVar:

ClinVar aggregate classification (germline): Likely benign (1 of 4 stars; one submission).

Conditions:
CSF2RA-related disorder. Also called: CSF2RA-related condition.

gnomAD v4.1: 44 of 1,613,818 alleles (0.0027%); highest among the groups gnomAD compares: African/African-American, 0.055%; no homozygotes.

Submission:

PreventionGenetics, part of Exact Sciences
Classification: Likely benign for CSF2RA-related condition. Last evaluated: 2026-04-11. Review status: criteria provided, single submitter. Criteria: ACMG Guidelines, 2015. Collection method: clinical testing. Allele origin: germline.
Comment: This variant is classified as likely benign based on ACMG/AMP sequence variant interpretation guidelines (Richards et al. 2015 PMID: 25741868, with internal and published modifications).

NM_172245.4(CSF2RA):c.*91T>C

Gene: CSF2RA (colony stimulating factor 2 receptor subunit alpha; plus strand). Cytogenetic location: Xp22.33.
Variant type: single nucleotide variant.
Coding change: c.*91T>C on transcript NM_172245.4 (MANE Select); 91 bases downstream of the stop codon, T replaced by C.
Molecular consequence: 3 prime UTR variant. On other transcripts: missense variant (1), non-coding transcript variant (1), intron variant (6).
Genome position (GRCh38, 1-based): chrX:1,309,570, T>C. VCF-style: chrX-1309570-T-C. GRCh37 (hg19) VCF-style: chrX-1428463-T-C.
Other names: c.*91T>C (NM_001161529.2, NM_001161530.2, NM_001161532.2 and 7 more transcripts); c.*195T>C (NM_001379167.1, NM_001379168.1, NM_001379169.1 and 2 more transcripts); c.1115T>C, p.Ile372Thr (NM_172246.4); c.1125+4043T>C (NM_001379163.1, NM_001379162.1, NM_001379164.1 and 2 more transcripts); c.1126-2699T>C (NM_001379159.1); short protein forms I372T.
Identifiers: ClinVar variation 4989962 (VCV004989962.1).